The following is an entry in ClinVar:

ClinVar aggregate classification (germline): Uncertain significance (1 of 4 stars; one submission).

Conditions:
Charcot-Marie-Tooth disease type 4. Also called: Charcot-Marie-Tooth disease, type IV; Charcot-Marie-Tooth, Type 4. Identifiers: Orphanet 64749, MedGen C4082197, MONDO:0018995.

Allele frequency attached by ClinVar (database versions not stated): TOPMed 0.00001; ESP Exome Variant Server 0.00008.

Submission:

Labcorp Genetics (formerly Invitae), Labcorp
Classification: Uncertain significance for Charcot-Marie-Tooth disease type 4. Last evaluated: 2019-05-21. Review status: criteria provided, single submitter. Criteria: Invitae Variant Classification Sherloc (09022015). Collection method: clinical testing. Allele origin: germline.
Comment: Algorithms developed to predict the effect of missense changes on protein structure and function (SIFT, PolyPhen-2, Align-GVGD) all suggest that this variant is likely to be tolerated, but these predictions have not been confirmed by published functional studies and their clinical significance is uncertain. This variant has not been reported in the literature in individuals with FGD4-related disease. This variant is not present in population databases (ExAC no frequency). This sequence change replaces serine with threonine at codon 542 of the FGD4 protein (p.Ser542Thr). The serine residue is moderately conserved and there is a small physicochemical difference between serine and threonine. In summary, the available evidence is currently insufficient to determine the role of this variant in disease. Therefore, it has been classified as a Variant of Uncertain Significance.

NM_001370298.3(FGD4):c.2035T>A (p.Ser679Thr)

Gene: FGD4 (FYVE, RhoGEF and PH domain containing 4; plus strand). Cytogenetic location: 12p11.21.
Variant type: single nucleotide variant.
Coding change: c.2035T>A on transcript NM_001370298.3 (MANE Select); coding-DNA position 2035, T replaced by A.
Protein change: p.Ser679Thr; replaces serine 679 with threonine.
Molecular consequence: missense variant.
Genome position (GRCh38, 1-based): chr12:32,625,057, T>A. VCF-style: chr12-32625057-T-A. GRCh37 (hg19) VCF-style: chr12-32777991-T-A.
Other names: c.1879T>A, p.Ser627Thr (NM_001304481.2); c.880T>A, p.Ser294Thr (NM_001304483.2); c.592T>A, p.Ser198Thr (NM_001304484.2); c.1345T>A, p.Ser449Thr (NM_001330373.2, NM_001330374.2, NM_001384130.1); c.1072T>A, p.Ser358Thr (NM_001370297.1); c.2035T>A, p.Ser679Thr (NM_001384126.1); c.1624T>A, p.Ser542Thr (NM_001384127.1, NM_001384128.1, NM_001385118.1 and 1 more transcripts); short protein forms S198T, S627T, S358T, S542T, S294T, S449T, S679T.
Identifiers: ClinVar variation 650095 (VCV000650095.10), dbSNP rs150746174, ClinGen allele CA235235723.